The following is an entry in ClinVar:

ClinVar aggregate classification (germline): Likely pathogenic. Review status: criteria provided, multiple submitters, no conflicts (2 of 4 stars). 2 submissions from 2 submitters: Likely pathogenic (2). Last evaluated 2024-12-01.

Conditions:
Zellweger spectrum disorders (ZS). Also called: Zellweger syndrome; Zellweger Spectrum Disorder (ZSD); Zellweger Spectrum Disorder; Zellweger Spectrum. Identifiers: Orphanet 912, MedGen C0043459, MONDO:0019609.
Peroxisome biogenesis disorder 5A (Zellweger) (PBD5A). Identifiers: Orphanet 912, MedGen C3553940, MONDO:0013932, OMIM 614866.

Submissions (2):

Natera, Inc.
Classification: Likely pathogenic for Zellweger syndrome. Last evaluated: 2024-12-01. Review status: criteria provided, single submitter. Criteria: Natera Variant Classification Schema (03/2026). Collection method: clinical testing. Allele origin: germline.
Comment: The c.550dup variant in PEX2 is a frameshift variant predicted to shift the reading frame beginning at codon 184 and leads to a stop codon 2 codons downstream. This variant is expected to result in nonsense mediated decay, truncation, or a dysfunctional protein product. This variant is rare in the general population with a frequency below the threshold expected for the associated phenotype(s). Given the available evidence, this variant is classified as Likely Pathogenic.

Baylor Genetics
Classification: Likely pathogenic for Peroxisome biogenesis disorder 5A (Zellweger). Last evaluated: 2023-04-10. Review status: criteria provided, single submitter. Criteria: ACMG Guidelines, 2015. Collection method: clinical testing. Allele origin: unknown.

NM_000318.3(PEX2):c.550delinsCC (p.Cys184fs)

Gene: PEX2 (peroxisomal biogenesis factor 2; minus strand). Cytogenetic location: 8q21.13.
Variant type: Indel.
Coding change: c.550delinsCC on transcript NM_000318.3 (MANE Select); coding-DNA position 550, T replaced by CC.
Protein change: p.Cys184fs; shifts the reading frame from cysteine 184.
Molecular consequence: frameshift variant.
Genome position (GRCh38, 1-based): chr8:76,983,629, A replaced by GG on the plus strand (T replaced by CC on the coding strand, the reverse complement: PEX2 is on the minus strand). VCF-style: chr8-76983629-A-GG. GRCh37 (hg19) VCF-style: chr8-77895865-A-GG.
Other names: c.550dup (NM_000318.2); c.550delinsCC, p.Cys184fs (NM_001079867.2, NM_001172086.2, NM_001172087.2); c.549_550insC (NM_000318.2); short protein forms C184fs.
Identifiers: ClinVar variation 2677671 (VCV002677671.2), dbSNP rs2487451515, ClinGen allele CA2695201484.